The following is an entry in ClinVar:

NM_000264.5(PTCH1):c.3566G>T (p.Gly1189Val)

Gene: PTCH1 (patched 1; minus strand). Cytogenetic location: 9q22.32.
Variant type: single nucleotide variant.
Coding change: c.3566G>T on transcript NM_000264.5 (MANE Select); coding-DNA position 3566, G replaced by T.
Protein change: p.Gly1189Val; replaces glycine 1189 with valine.
Molecular consequence: missense variant. On other transcripts: non-coding transcript variant (1).
Genome position (GRCh38, 1-based): chr9:95,449,307, C>A on the plus strand (G>T on the coding strand, the complement: PTCH1 is on the minus strand). VCF-style: chr9-95449307-C-A. GRCh37 (hg19) VCF-style: chr9-98211589-C-A.
Other names: c.3368G>T, p.Gly1123Val (NM_001083602.3); c.3563G>T, p.Gly1188Val (NM_001083603.3); c.3113G>T, p.Gly1038Val (NM_001083604.3, NM_001083605.3, NM_001083606.3 and 1 more transcripts); c.3410G>T, p.Gly1137Val (NM_001354918.2); short protein forms G1038V, G1137V, G1123V, G1188V, G1189V.
Identifiers: ClinVar variation 3427200 (VCV003427200.2).

ClinVar aggregate classification (germline): Uncertain significance (1 of 4 stars; one submission).

Conditions:
Hereditary cancer-predisposing syndrome. Also called: Tumor predisposition; Hereditary Cancer Syndrome; Hereditary neoplastic syndrome; Neoplastic Syndromes, Hereditary. Identifiers: Orphanet 140162, MedGen C0027672, MeSH D009386, MONDO:0015356.

Submission:

Ambry Genetics
Classification: Uncertain significance for Hereditary cancer-predisposing syndrome. Last evaluated: 2026-08-24. Review status: criteria provided, single submitter. Criteria: Ambry Variant Classification Scheme 2023. Collection method: clinical testing. Allele origin: germline.
Comment: The p.G1189V variant (also known as c.3566G>T), located in coding exon 22 of the PTCH1 gene, results from a G to T substitution at nucleotide position 3566. The glycine at codon 1189 is replaced by valine, an amino acid with dissimilar properties. This amino acid position is highly conserved in available vertebrate species. In addition, this alteration is predicted to be deleterious by in silico analysis. Based on the available evidence, the clinical significance of this variant remains unclear.